The following is an entry in ClinVar:

ClinVar aggregate classification (germline): Uncertain significance (1 of 4 stars; one submission).

Submission:

GeneDx
Classification: Uncertain significance. Last evaluated: 2020-03-17. Review status: criteria provided, single submitter. Criteria: GeneDx Variant Classification Process June 2021. Collection method: clinical testing. Allele origin: germline. Affected: yes.
Comment: Not observed in large population cohorts (Lek et al., 2016); In-frame deletion of 1 amino acids in a non-repeat region; In silico analysis supports a deleterious effect on protein structure/function; Has not been previously published as pathogenic or benign to our knowledge

NM_022455.5(NSD1):c.3894_3896del (p.Lys1300del)

Gene: NSD1 (nuclear receptor binding SET domain protein 1; plus strand). Cytogenetic location: 5q35.3.
Variant type: Deletion.
Coding change: c.3894_3896del on transcript NM_022455.5 (MANE Select); coding-DNA positions 3894 to 3896, 3 bases deleted (AAA; older notation c.3894_3896delAAA).
Protein change: p.Lys1300del; deletes lysine 1300.
Molecular consequence: inframe deletion. On other transcripts: inframe indel (12).
Genome position (GRCh38, 1-based): chr5:177,235,918-177,235,920, AAA deleted; deleting any 3 consecutive bases within chr5:177,235,917-177,235,920 gives the same sequence; the c. name uses the placement nearest the transcript's 3' end. VCF-style (leftmost placement, unchanged base first): chr5-177235916-CAAA-C. GRCh37 (hg19) VCF-style: chr5-176662917-CAAA-C.
Other names: c.3021_3023delAAA, p.Lys1009del (NM_001365684.2, NM_001409306.1, NM_001409307.1 and 3 more transcripts); c.3894_3896delAAA, p.Lys1300del (NM_001409301.1, NM_001409302.1, NM_001409303.1 and 1 more transcripts); c.3474_3476delAAA, p.Lys1160del (NM_001409304.1); c.3141_3143delAAA, p.Lys1049del (NM_001409305.1); short protein forms K1031del, K1300del, K1049del, K1160del, K1009del.
Identifiers: ClinVar variation 1315341 (VCV001315341.2), dbSNP rs2149884022, ClinGen allele CA2573052476.